The following is an entry in ClinVar:

NM_000051.4(ATM):c.5177+1G>C

Gene: ATM (ATM serine/threonine kinase; plus strand). Cytogenetic location: 11q22.3.
Variant type: single nucleotide variant.
Coding change: c.5177+1G>C on transcript NM_000051.4 (MANE Select); the canonical splice donor site of the intron after coding-DNA position 5177, G replaced by C.
Molecular consequence: splice donor variant.
Genome position (GRCh38, 1-based): chr11:108,299,886, G>C. VCF-style: chr11-108299886-G-C. GRCh37 (hg19) VCF-style: chr11-108170613-G-C.
Other names: c.5177+1G>C (NM_001351834.2).
Identifiers: ClinVar variation 857860 (VCV000857860.16), dbSNP rs1131691159, ClinGen allele CA382541268.
Genomic context (GRCh38, chr11:108,299,886, plus strand): 5'-AGAACTTCAGTGGACCTTCATAATGCTGACCTACCTGAATAACACACTGGTAGAAGATTG[G>C]TGAGTATTTATTGATACCTTATATGTAATCTCAATATGACATTCATGGAGAATGATACTT-3'

ClinVar aggregate classification (germline): Pathogenic. Review status: reviewed by expert panel (3 of 4 stars). 6 submissions from 6 submitters: Pathogenic (1). 5 of the submissions do not count toward it. Last evaluated 2024-11-26.

Conditions:
Hereditary cancer-predisposing syndrome. Also called: Hereditary neoplastic syndrome; Hereditary Cancer Syndrome; Neoplastic Syndromes, Hereditary; Tumor predisposition. Identifiers: Orphanet 140162, MedGen C0027672, MeSH D009386, MONDO:0015356.
Familial cancer of breast. Also called: hereditary breast carcinoma; Hereditary breast cancer; BREAST CANCER, FAMILIAL. Identifiers: Orphanet 227535, MedGen C0346153, MONDO:0016419, OMIM 114480. Disease mechanism: loss of function.
ATM-related cancer predisposition. Also called: ATM-related cancer susceptibility. Identifiers: MedGen CN377759, MONDO:0700270.
ATM-related disorder. Also called: ATM-related disorders; ATM-related condition.
Ataxia-telangiectasia syndrome (AT). Also called: Ataxia telangiectasia (A-T); Cerebello-oculocutaneous telangiectasia; Immunodeficiency with ataxia telangiectasia; Ataxia-telangiectasia, complementation group D; AT, COMPLEMENTATION GROUP C; ATAXIA-TELANGIECTASIA, COMPLEMENTATION GROUP A. Identifiers: Orphanet 100, MedGen C0004135, MONDO:0008840, OMIM 208900.

Allele frequency attached by ClinVar (database versions not stated): gnomAD exomes below 0.00001.
gnomAD v4.1: 1 of 1,612,866 alleles (0.000062%); highest among the groups gnomAD compares: Non-Finnish European, 0.000085%; no homozygotes.

Submissions (6):

ClinGen Hereditary Breast, Ovarian and Pancreatic Cancer Variant Curation Expert Panel, ClinGen
Classification: Pathogenic for ATM-related cancer predisposition. Last evaluated: 2024-11-26. Review status: reviewed by expert panel. Criteria: ClinGen HBOP ACMG Specifications ATM V1.3.0. Collection method: curation. Allele origin: germline. Inheritance: Autosomal dominant inheritance.
Comment: The c.5177+1G>C variant in ATM occurs within the canonical splice donor site of intron 34. It is predicted to cause skipping of a biologically-relevant-exon, resulting in a frameshift leading to nonsense mediated decay in a gene in which loss-of-function is an established disease mechanism. This variant has been detected in at least 1 individual with Ataxia-Telangiectasia (PMID: 26896183). This variant is absent from gnomAD v2.1.1. In summary, this variant meets criteria to be classified as pathogenic for autosomal dominant ATM-related cancer predisposition and autosomal recessive Ataxia-Telangiectasia based on the ACMG/AMP criteria applied as specified by the HBOP Variant Curation Expert Panel. (PVS1, PM3_Supporting, PM2_Supporting)

Myriad Genetics, Inc.
Classification: Pathogenic for Familial cancer of breast. Last evaluated: 2026-02-23. Review status: criteria provided, single submitter. Criteria: Myriad Autosomal Dominant, Autosomal Recessive and X-Linked Classification Criteria (2023). Collection method: clinical testing. Allele origin: unknown. Not counted in ClinVar's aggregate classification.
Comment: This variant is considered pathogenic. This variant occurs within a consensus splice junction and is predicted to result in abnormal mRNA splicing of either an out-of-frame exon or an in-frame exon necessary for protein stability and/or normal function. This variant has been reported in multiple individuals with clinical features of gene-specific disease [PMID 38843839, 26896183]. Functional studies indicate this variant impacts protein function [PMID: 18497957].

Ambry Genetics
Classification: Likely pathogenic for Hereditary cancer-predisposing syndrome. Last evaluated: 2025-03-07. Review status: criteria provided, single submitter. Criteria: Ambry Variant Classification Scheme 2023. Collection method: clinical testing. Allele origin: germline. Not counted in ClinVar's aggregate classification.
Comment: The c.5177+1G>C intronic variant results from a G to C substitution one nucleotide after coding exon 33 of the ATM gene. This nucleotide position is highly conserved in available vertebrate species. In silico splice site analysis predicts that this alteration will weaken the native splice donor site. RNA studies have demonstrated that this alteration results in abnormal splicing in the set of samples tested (Ambry internal data). Alterations that disrupt the canonical splice site are expected to cause aberrant splicing, resulting in an abnormal protein or a transcript that is subject to nonsense-mediated mRNA decay. As such, this alteration is classified as likely pathogenic.

Labcorp Genetics (formerly Invitae), Labcorp
Classification: Pathogenic for Ataxia-telangiectasia syndrome. Last evaluated: 2024-11-11. Review status: criteria provided, single submitter. Criteria: Invitae Variant Classification Sherloc (09022015). Collection method: clinical testing. Allele origin: germline. Not counted in ClinVar's aggregate classification.
Comment: This sequence change affects a donor splice site in intron 34 of the ATM gene. RNA analysis indicates that disruption of this splice site induces altered splicing and may result in an absent or altered protein product. This variant is not present in population databases (gnomAD no frequency). Disruption of this splice site has been observed in individual(s) with ataxia-telangiectasia and/or breast cancer (PMID: 26896183, 29522266). ClinVar contains an entry for this variant (Variation ID: 857860). Studies have shown that disruption of this splice site results in skipping of exon 34 (also known as exon 36), and produces a non-functional protein and/or introduces a premature termination codon (PMID: 18497957). For these reasons, this variant has been classified as Pathogenic.

Color Diagnostics, LLC DBA Color Health
Classification: Likely pathogenic for Hereditary cancer-predisposing syndrome. Last evaluated: 2024-01-29. Review status: criteria provided, single submitter. Criteria: ACMG Guidelines, 2015. Collection method: clinical testing. Allele origin: germline. Not counted in ClinVar's aggregate classification.
Comment: This variant causes a G to C nucleotide substitution at the +1 position of intron 34 of the ATM gene. Splice site prediction tools predict that this variant may have a significant impact on RNA splicing. Although RNA studies have not been reported for this variant, it is expected to disrupt RNA splicing and result in an absent or non-functional protein product. This variant has been reported with a co-occurring intronic variant of uncertain significance in an individual affected with ataxia-telangiectasia (PMID: 26896183). This variant has not been identified in the general population by the Genome Aggregation Database (gnomAD). A different variant at the same position, c.5177+1G>A, has been identified in an individual affected with bilateral breast cancer and family history of pancreatic and breast cancer (PMID: 18497957). An RNA study using cells from this heterozygous individual has shown that c.5177+1G>A variant results in exon 34 skipping (referred to as exon 36 in the article based on the U33841 transcript) and premature protein truncation, with almost no expression of normal transcripts from the mutant allele (PMID: 18497957). Loss of ATM function is a known mechanism of disease. Based on the available evidence, this variant is classified as Likely Pathogenic.

Illumina Laboratory Services, Illumina
Classification: Pathogenic for ATM-related disorders. Last evaluated: 2021-02-05. Review status: criteria provided, single submitter. Criteria: ICSLVariantClassificationCriteria RUGD 01 April 2020. Collection method: clinical testing. Allele origin: unknown. Not counted in ClinVar's aggregate classification.
Comment: The ATM c.5177+1G>C variant occurs in a canonical splice site (donor) and is therefore predicted to disrupt the normal gene product. A literature search was performed for the gene and cDNA change. No publications were found based on this search. This variant is not found in the Genome Aggregation Database in a region of good sequence coverage and hence is presumed to be rare. Quantitative analysis of RNA samples from the patient indicated that the c.5177+G>A variant caused skipping of exon 36, when compared to controls. The skipping of exon 36 is predicted to cause premature termination at codon 1680 of the ATM protein. Based on the cumulative evidence, the c.5177+1G>C variant is classified as pathogenic for ATM-related disorders.

Literature cited by the submitters: PubMed 38843839 (cited by Myriad Genetics, Inc.); PubMed 26896183 (cited by 3 submitters); PubMed 18497957 (cited by 4 submitters); PubMed 29522266 (cited by Labcorp Genetics (formerly Invitae), Labcorp).